The following is an entry in ClinVar:

NM_000059.4(BRCA2):c.9550_9563dup (p.Pro3189fs)

Gene: BRCA2 (BRCA2 DNA repair associated; plus strand). Cytogenetic location: 13q13.1.
Variant type: Duplication.
Coding change: c.9550_9563dup on transcript NM_000059.4 (MANE Select); coding-DNA positions 9550 to 9563, 14 bases duplicated (CTGCATGCAAATGA).
Protein change: p.Pro3189fs; shifts the reading frame from proline 3189.
Molecular consequence: frameshift variant.
Genome position (GRCh38, 1-based): chr13:32,396,946-32,396,959, CTGCATGCAAATGA duplicated; duplicating any 14 consecutive bases within chr13:32,396,945-32,396,959 gives the same sequence; the c. name uses the placement nearest the transcript's 3' end. VCF-style (leftmost placement, unchanged base first): chr13-32396944-T-TACTGCATGCAAATG. GRCh37 (hg19) VCF-style: chr13-32971081-T-TACTGCATGCAAATG.
Other names: 9778_9891dup; short protein forms P3189fs.
Identifiers: ClinVar variation 267166 (VCV000267166.5), dbSNP rs886040845, ClinGen allele CA10589571.

ClinVar aggregate classification (germline): Pathogenic. Review status: reviewed by expert panel (3 of 4 stars). 2 submissions from 2 submitters: Pathogenic (1). 1 of the submissions does not count toward it. Last evaluated 2016-10-18.

Conditions:
Breast-ovarian cancer, familial, susceptibility to, 2 (BROVCA2). Also called: BRCA2 Hereditary Breast and Ovarian Cancer. Identifiers: Orphanet 145, MedGen C2675520, MONDO:0012933, OMIM 612555. Disease mechanism: loss of function.

Submissions (2):

Evidence-based Network for the Interpretation of Germline Mutant Alleles (ENIGMA)
Classification: Pathogenic for Breast-ovarian cancer, familial, susceptibility to, 2. Last evaluated: 2016-10-18. Review status: reviewed by expert panel. Criteria: ENIGMA BRCA1/2 Classification Criteria (2015). Collection method: curation. Allele origin: germline.
Comment: Variant allele predicted to encode a truncated non-functional protein.

Consortium of Investigators of Modifiers of BRCA1/2 (CIMBA), c/o University of Cambridge
Classification: Pathogenic for Breast-ovarian cancer, familial, susceptibility to, 2. Last evaluated: 2015-10-02. Review status: criteria provided, single submitter. Criteria: CIMBA Mutation Classification guidelines May 2016. Collection method: clinical testing. Allele origin: germline. Not counted in ClinVar's aggregate classification.